The following is an entry in ClinVar:

ClinVar aggregate classification (germline): Likely benign (1 of 4 stars; one submission).

gnomAD v4.1: 6,094 of 1,614,158 alleles (0.38%); highest among the groups gnomAD compares: Non-Finnish European, 0.34%; 43 homozygotes.

Submission:

CeGaT Center for Human Genetics Tuebingen
Classification: Likely benign. Last evaluated: 2024-12-01. Review status: criteria provided, single submitter. Criteria: CeGaT Center For Human Genetics Tuebingen Variant Classification Criteria Version 2. Collection method: clinical testing. Allele origin: germline. Affected: yes. Observed: 1 variant allele.
Comment: DDX20: BP4, BS2

NM_007204.5(DDX20):c.1676A>G (p.Asn559Ser)

Gene: DDX20 (DEAD-box helicase 20; plus strand). Cytogenetic location: 1p13.2.
Variant type: single nucleotide variant.
Coding change: c.1676A>G on transcript NM_007204.5 (MANE Select); coding-DNA position 1676, A replaced by G.
Protein change: p.Asn559Ser; replaces asparagine 559 with serine.
Molecular consequence: missense variant.
Genome position (GRCh38, 1-based): chr1:111,766,100, A>G. VCF-style: chr1-111766100-A-G. GRCh37 (hg19) VCF-style: chr1-112308722-A-G.
Other names: short protein forms N559S.
Identifiers: ClinVar variation 3770415 (VCV003770415.13).
Genomic context (GRCh38, chr1:111,766,100, plus strand): 5'-ACAGGCAATCCGAAGAGCAAATGAAGAATTCTGTTCAGACTCCCGTTGAAAACTCCACCA[A>G]CAGTCAGCACCAGGTCAAAGAAGCTTTACCTGTGTCACTCCCCCAGATTCCTTGTCTGTC-3'
Protein context (NP_009135.4, residues 549-569): SVQTPVENST[Asn559Ser]SQHQVKEALP